The following is an entry in ClinVar:

NM_025257.3(SLC44A4):c.1004G>A (p.Arg335His)

Gene: SLC44A4 (solute carrier family 44 member 4; minus strand). Cytogenetic location: 6p21.33.
Variant type: single nucleotide variant.
Coding change: c.1004G>A on transcript NM_025257.3 (MANE Select); coding-DNA position 1004, G replaced by A.
Protein change: p.Arg335His; replaces arginine 335 with histidine.
Molecular consequence: missense variant.
Genome position (GRCh38, 1-based): chr6:31,870,636, C>T on the plus strand (G>A on the coding strand, the complement: SLC44A4 is on the minus strand). VCF-style: chr6-31870636-C-T. GRCh37 (hg19) VCF-style: chr6-31838413-C-T.
Other names: c.878G>A, p.Arg293His (NM_001178044.2); c.776G>A, p.Arg259His (NM_001178045.2); c.1004G>A, p.Arg335His (NM_032794.1); c.1004G>A (NM_025257.2); short protein forms R259H, R293H, R335H.
Identifiers: ClinVar variation 2416558 (VCV002416558.8), dbSNP rs549331790, ClinGen allele CA3725519.

ClinVar aggregate classification (germline): Uncertain significance. Review status: criteria provided, multiple submitters, no conflicts (2 of 4 stars). 2 submissions from 2 submitters: Uncertain significance (2). Last evaluated 2023-07-11.

Allele frequency attached by ClinVar (database versions not stated): TOPMed 0.00001; 1000 Genomes Project 30x 0.00016; 1000 Genomes Project 0.00020.
gnomAD v4.1: 57 of 1,607,770 alleles (0.0035%); highest among the groups gnomAD compares: East Asian, 0.045%; 1 homozygote.

Submissions (2):

Ambry Genetics
Classification: Uncertain significance. Last evaluated: 2023-07-11. Review status: criteria provided, single submitter. Criteria: Ambry Variant Classification Scheme 2023. Collection method: clinical testing. Allele origin: germline.

Labcorp Genetics (formerly Invitae), Labcorp
Classification: Uncertain significance. Last evaluated: 2022-10-21. Review status: criteria provided, single submitter. Criteria: Invitae Variant Classification Sherloc (09022015). Collection method: clinical testing. Allele origin: germline.
Comment: The frequency data for this variant in the population databases is considered unreliable, as metrics indicate poor data quality at this position in the gnomAD database. This variant has not been reported in the literature in individuals affected with SLC44A4-related conditions. This sequence change replaces arginine, which is basic and polar, with histidine, which is basic and polar, at codon 335 of the SLC44A4 protein (p.Arg335His). In summary, the available evidence is currently insufficient to determine the role of this variant in disease. Therefore, it has been classified as a Variant of Uncertain Significance. Advanced modeling of protein sequence and biophysical properties (such as structural, functional, and spatial information, amino acid conservation, physicochemical variation, residue mobility, and thermodynamic stability) performed at Invitae indicates that this missense variant is not expected to disrupt SLC44A4 protein function.